The following is an entry in ClinVar:

ClinVar aggregate classification (germline): Uncertain significance (1 of 4 stars; one submission).

Submission:

Labcorp Genetics (formerly Invitae), Labcorp
Classification: Uncertain significance. Last evaluated: 2022-10-08. Review status: criteria provided, single submitter. Criteria: Invitae Variant Classification Sherloc (09022015). Collection method: clinical testing. Allele origin: germline.
Comment: In summary, the available evidence is currently insufficient to determine the role of this variant in disease. Therefore, it has been classified as a Variant of Uncertain Significance. Variants that disrupt the consensus splice site are a relatively common cause of aberrant splicing (PMID: 17576681, 9536098). Algorithms developed to predict the effect of sequence changes on RNA splicing suggest that this variant may create or strengthen a splice site. This variant has not been reported in the literature in individuals affected with ACTN1-related conditions. This variant is not present in population databases (gnomAD no frequency). This sequence change falls in intron 7 of the ACTN1 gene. It does not directly change the encoded amino acid sequence of the ACTN1 protein. It affects a nucleotide within the consensus splice site.

Literature cited by the submitters: PubMed 17576681; PubMed 9536098.

NM_001130004.2(ACTN1):c.676+4A>G

Gene: ACTN1 (actinin alpha 1; minus strand). Cytogenetic location: 14q24.1.
Variant type: single nucleotide variant.
Coding change: c.676+4A>G on transcript NM_001130004.2 (MANE Select); 4 bases into the intron after coding-DNA position 676, A replaced by G.
Molecular consequence: intron variant.
Genome position (GRCh38, 1-based): chr14:68,904,651, T>C on the plus strand (A>G on the coding strand, the complement: ACTN1 is on the minus strand). VCF-style: chr14-68904651-T-C. GRCh37 (hg19) VCF-style: chr14-69371368-T-C.
Other names: c.676+4A>G (NM_001130005.2, NM_001102.4).
Identifiers: ClinVar variation 1925120 (VCV001925120.5), dbSNP rs2503743543, ClinGen allele CA2580088677.